The following is an entry in ClinVar:

NM_000138.5(FBN1):c.7039A>G (p.Met2347Val)

Gene: FBN1 (fibrillin 1; minus strand). Cytogenetic location: 15q21.1.
Variant type: single nucleotide variant.
Coding change: c.7039A>G on transcript NM_000138.5 (MANE Select); coding-DNA position 7039, A replaced by G.
Protein change: p.Met2347Val; replaces methionine 2347 with valine.
Molecular consequence: missense variant.
Genome position (GRCh38, 1-based): chr15:48,427,732, T>C on the plus strand (A>G on the coding strand, the complement: FBN1 is on the minus strand). VCF-style: chr15-48427732-T-C. GRCh37 (hg19) VCF-style: chr15-48719929-T-C.
Other names: short protein forms M2347V.
Identifiers: ClinVar variation 519771 (VCV000519771.5), dbSNP rs1284375434, ClinGen allele CA392330278.
Genomic context (GRCh38, chr15:48,427,732, plus strand): 5'-CGTCACAGCAGCATTCCGATTTGGTGACGGGGTTCCTGTTGCTGGAGCCGATCTGACACA[T>C]GTTTTGTAGCACCTCTGTGAAGCAGTACCCTTCCCGATTGTCTGGAAGGGACATTATATG-3'
Protein context (NP_000129.3, residues 2337-2357): GYCFTEVLQN[Met2347Val]CQIGSSNRNP

ClinVar aggregate classification (germline): Uncertain significance (1 of 4 stars; one submission).

Conditions:
Familial thoracic aortic aneurysm and aortic dissection (TAAD). Also called: Thoracic aortic aneurysms and dissections. Identifiers: Orphanet 91387, MedGen C4707243, MONDO:0019625.

Allele frequency attached by ClinVar (database versions not stated): gnomAD exomes below 0.00001.
gnomAD v4.1: 3 of 1,614,114 alleles (0.00019%); highest among the groups gnomAD compares: South Asian, 0.0011%; no homozygotes.

Submission:

Ambry Genetics
Classification: Uncertain significance for Familial thoracic aortic aneurysm and aortic dissection. Last evaluated: 2017-04-07. Review status: criteria provided, single submitter. Criteria: Ambry Variant Classification Scheme 2023. Collection method: clinical testing. Allele origin: germline.
Comment: The p.M2347V variant (also known as c.7039A>G), located in coding exon 57 of the FBN1 gene, results from an A to G substitution at nucleotide position 7039. The methionine at codon 2347 is replaced by valine, an amino acid with highly similar properties, and is located in a TGFBP domain. This amino acid position is not well conserved in available vertebrate species. In addition, the in silico prediction for this alteration is inconclusive. Since supporting evidence is limited at this time, the clinical significance of this alteration remains unclear.